The following is an entry in ClinVar:

ClinVar aggregate classification (germline): Benign/Likely benign. Review status: criteria provided, multiple submitters, no conflicts (2 of 4 stars). 2 submissions from 2 submitters: Benign (1); Likely benign (1). Last evaluated 2026-01-14.

Conditions:
Amelocerebrohypohidrotic syndrome (KTZS). Also called: KOHLSCHUTTER SYNDROME; Kohlschutter's syndrome; EPILEPSY AND YELLOW TEETH; EPILEPSY, DEMENTIA, AND AMELOGENESIS IMPERFECTA. Identifiers: Orphanet 1946, MedGen C0406740, MONDO:0009185, OMIM 226750.
ROGDI-related disorder. Also called: ROGDI-related condition.

Allele frequency attached by ClinVar (database versions not stated): gnomAD 0.00001 and 0.00011; TOPMed 0.00004; gnomAD exomes 0.00011 and 0.00030; ExAC 0.00036; 1000 Genomes Project 30x 0.00156; 1000 Genomes Project 0.00160.

Submissions (2):

PreventionGenetics, part of Exact Sciences
Classification: Likely benign for ROGDI-related condition. Last evaluated: 2026-01-14. Review status: criteria provided, single submitter. Criteria: ACMG Guidelines, 2015. Collection method: clinical testing. Allele origin: germline.
Comment: This variant is classified as likely benign based on ACMG/AMP sequence variant interpretation guidelines (Richards et al. 2015 PMID: 25741868, with internal and published modifications).

Labcorp Genetics (formerly Invitae), Labcorp
Classification: Benign for Amelocerebrohypohidrotic syndrome. Last evaluated: 2025-10-13. Review status: criteria provided, single submitter. Criteria: Invitae Variant Classification Sherloc (09022015). Collection method: clinical testing. Allele origin: germline.

NM_024589.3(ROGDI):c.678T>C (p.His226=)

Gene: ROGDI (rogdi atypical leucine zipper; minus strand). Cytogenetic location: 16p13.3.
Variant type: single nucleotide variant.
Coding change: c.678T>C on transcript NM_024589.3 (MANE Select); coding-DNA position 678, T replaced by C.
Protein change: p.His226=; no amino-acid change (histidine 226 retained).
Molecular consequence: synonymous variant. On other transcripts: non-coding transcript variant (1).
Genome position (GRCh38, 1-based): chr16:4,797,955, A>G on the plus strand (T>C on the coding strand, the complement: ROGDI is on the minus strand). VCF-style: chr16-4797955-A-G. GRCh37 (hg19) VCF-style: chr16-4847956-A-G.
Identifiers: ClinVar variation 530800 (VCV000530800.11), dbSNP rs549672547, ClinGen allele CA7882553.